The following is an entry in ClinVar:

ClinVar aggregate classification (germline): Uncertain significance (1 of 4 stars; one submission).

Conditions:
Familial hypocalciuric hypercalcemia (FHH). Also called: Familial benign hypercalcemia. Identifiers: Orphanet 405, MedGen C1809471, MONDO:0018458.
Autosomal dominant hypocalcemia 1 (HYPOC1). Also called: HYPOCALCEMIA, FAMILIAL. Identifiers: MedGen C3715128, MONDO:0011013, OMIM 601198.

Submission:

Labcorp Genetics (formerly Invitae), Labcorp
Classification: Uncertain significance for Familial hypocalciuric hypercalcemia; Autosomal dominant hypocalcemia 1. Last evaluated: 2025-08-07. Review status: criteria provided, single submitter. Criteria: Invitae Variant Classification Sherloc (09022015). Collection method: clinical testing. Allele origin: germline.
Comment: This sequence change replaces glutamine, which is neutral and polar, with arginine, which is basic and polar, at codon 673 of the CASR protein (p.Gln673Arg). This variant is not present in population databases (gnomAD no frequency). This variant has not been reported in the literature in individuals affected with CASR-related conditions. ClinVar contains an entry for this variant (Variation ID: 647799). An algorithm developed to predict the effect of missense changes on protein structure and function (PolyPhen-2) suggests that this variant is likely to be tolerated. In summary, the available evidence is currently insufficient to determine the role of this variant in disease. Therefore, it has been classified as a Variant of Uncertain Significance.

NM_000388.4(CASR):c.2018A>G (p.Gln673Arg)

Gene: CASR (calcium sensing receptor; plus strand). Cytogenetic location: 3q21.1.
Variant type: single nucleotide variant.
Coding change: c.2018A>G on transcript NM_000388.4 (MANE Select); coding-DNA position 2018, A replaced by G.
Protein change: p.Gln673Arg; replaces glutamine 673 with arginine.
Molecular consequence: missense variant.
Genome position (GRCh38, 1-based): chr3:122,283,972, A>G. VCF-style: chr3-122283972-A-G. GRCh37 (hg19) VCF-style: chr3-122002819-A-G.
Other names: c.2048A>G, p.Gln683Arg (NM_001178065.2); short protein forms Q673R, Q683R.
Identifiers: ClinVar variation 647799 (VCV000647799.9), dbSNP rs1576877306, ClinGen allele CA354158314.